The following is an entry in ClinVar:

NM_001734.5(C1S):c.30G>A (p.Leu10=)

Gene: C1S (complement C1s; plus strand). Cytogenetic location: 12p13.31.
Variant type: single nucleotide variant.
Coding change: c.30G>A on transcript NM_001734.5 (MANE Select); coding-DNA position 30, G replaced by A.
Protein change: p.Leu10=; no amino-acid change (leucine 10 retained).
Molecular consequence: synonymous variant. On other transcripts: intron variant (1).
Genome position (GRCh38, 1-based): chr12:7,062,499, G>A. VCF-style: chr12-7062499-G-A. GRCh37 (hg19) VCF-style: chr12-7169803-G-A.
Other names: c.30G>A, p.Leu10= (NM_201442.4); c.-288-391G>A (NM_001346850.2).
Identifiers: ClinVar variation 4701720 (VCV004701720.1).

ClinVar aggregate classification (germline): Uncertain significance (1 of 4 stars; one submission).

gnomAD v4.1: 1 of 1,613,278 alleles (0.000062%); highest among the groups gnomAD compares: Non-Finnish European, 0.000085%; no homozygotes.

Submission:

Labcorp Genetics (formerly Invitae), Labcorp
Classification: Uncertain significance. Last evaluated: 2025-07-03. Review status: criteria provided, single submitter. Criteria: Invitae Variant Classification Sherloc (09022015). Collection method: clinical testing. Allele origin: germline.
Comment: This sequence change affects codon 10 of the C1S mRNA. It is a 'silent' change, meaning that it does not change the encoded amino acid sequence of the C1S protein. This variant is present in population databases (no rsID available, gnomAD 0.0009%). This variant has not been reported in the literature in individuals affected with C1S-related conditions. Algorithms developed to predict the effect of sequence changes on RNA splicing suggest that this variant may create or strengthen a splice site. In summary, the available evidence is currently insufficient to determine the role of this variant in disease. Therefore, it has been classified as a Variant of Uncertain Significance.